The following is an entry in ClinVar:

ClinVar aggregate classification (germline): Pathogenic/Likely pathogenic. Review status: criteria provided, multiple submitters, no conflicts (2 of 4 stars). 3 submissions from 3 submitters: Pathogenic (2); Likely pathogenic (1). Last evaluated 2024-05-15.

Conditions:
EVC-related disorder. Also called: EVC-related disorders; EVC-related condition.
Curry-Hall syndrome (WAD). Also called: WEYERS ACRODENTAL DYSOSTOSIS. Identifiers: Orphanet 952, MedGen C0457013, MONDO:0008673, OMIM 193530.
Ellis-van Creveld syndrome (EVC). Also called: Chondroectodermal dysplasia; MESOECTODERMAL DYSPLASIA. Identifiers: Orphanet 289, MedGen C0013903, MONDO:0009162, OMIM 225500.

Allele frequency attached by ClinVar (database versions not stated): gnomAD exomes below 0.00001 and 0.00001.

Submissions (3):

Fulgent Genetics
Classification: Pathogenic for Curry-Hall syndrome; Ellis-van Creveld syndrome. Last evaluated: 2024-05-15. Review status: criteria provided, single submitter. Criteria: ACMG Guidelines, 2015. Collection method: clinical testing. Allele origin: germline.

Blueprint Genetics
Classification: Likely pathogenic for EVC-related disorders. Last evaluated: 2023-11-06. Review status: criteria provided, single submitter. Criteria: ACMG Guidelines, 2015. Collection method: clinical testing. Allele origin: germline. Affected: yes. Observed: 1 variant allele.

Labcorp Genetics (formerly Invitae), Labcorp
Classification: Pathogenic for Curry-Hall syndrome; Ellis-van Creveld syndrome. Last evaluated: 2021-05-06. Review status: criteria provided, single submitter. Criteria: Invitae Variant Classification Sherloc (09022015). Collection method: clinical testing. Allele origin: germline.
Comment: This sequence change creates a premature translational stop signal (p.Arg304Lysfs*5) in the EVC gene. It is expected to result in an absent or disrupted protein product. Loss-of-function variants in EVC are known to be pathogenic (PMID: 23220543). This variant is not present in population databases (ExAC no frequency). This variant has been observed in individual(s) with Ellis-van Creveld syndrome (PMID: 10700184). This variant is also known as 910-911insA. For these reasons, this variant has been classified as Pathogenic.

Literature cited by the submitters: PubMed 23220543 (cited by Labcorp Genetics (formerly Invitae), Labcorp); PubMed 10700184 (cited by Labcorp Genetics (formerly Invitae), Labcorp).

NM_153717.3(EVC):c.910dup (p.Arg304fs)

Gene: EVC (EvC ciliary complex subunit 1; plus strand). Cytogenetic location: 4p16.2.
Variant type: Duplication.
Coding change: c.910dup on transcript NM_153717.3 (MANE Select); coding-DNA position 910, one base duplicated (A; older notation c.910dupA).
Protein change: p.Arg304fs; shifts the reading frame from arginine 304.
Molecular consequence: frameshift variant.
Genome position (GRCh38, 1-based): chr4:5,745,312, A duplicated. VCF-style (leftmost placement, unchanged base first): chr4-5745311-G-GA. GRCh37 (hg19) VCF-style: chr4-5747038-G-GA.
Other names: c.910dup, p.Arg304fs (NM_001306090.2, NM_001306092.2); short protein forms R304fs.
Identifiers: ClinVar variation 1458500 (VCV001458500.11), dbSNP rs1428798262, ClinGen allele CA549399454.
Genomic context (GRCh38, chr4:5,745,311, plus strand): 5'-AGAAATGTCGGGGGCTGGTGACTCTGAGTACATCACCCTGGCTGATGTGGAAAAGAAGGA[G>GA]AGAGAATACTCTGAACAGCTAATCGATAATGTGCGTGCCAGACTTTCTTTCCTGTACACA-3'